The following is an entry in ClinVar:

ClinVar aggregate classification (germline): Uncertain significance. Review status: criteria provided, multiple submitters, no conflicts (2 of 4 stars). 6 submissions from 6 submitters: Uncertain significance (5). 1 of the submissions does not count toward it. Last evaluated 2026-05-08.

Conditions:
Cardiovascular phenotype. Identifiers: MedGen CN230736.
Alstrom syndrome (ALMS). Identifiers: Orphanet 64, MedGen C0268425, MONDO:0008763, OMIM 203800.

Allele frequency attached by ClinVar (database versions not stated): gnomAD exomes 0.00006 and 0.00011; 1000 Genomes Project 30x 0.00016; 1000 Genomes Project 0.00020; ExAC 0.00007; TOPMed 0.00009; ESP Exome Variant Server 0.00017; gnomAD 0.00013 and 0.00014.
gnomAD v4.1: 173 of 1,613,508 alleles (0.011%); highest among the groups gnomAD compares: Non-Finnish European, 0.014%; no homozygotes.

Submissions (6):

Women's Health and Genetics/Laboratory Corporation of America, LabCorp
Classification: Uncertain significance. Last evaluated: 2026-05-08. Review status: criteria provided, single submitter. Criteria: LabCorp Variant Classification Summary - May 2015. Collection method: clinical testing. Allele origin: germline.

Ambry Genetics
Classification: Uncertain significance for Cardiovascular phenotype. Last evaluated: 2025-10-20. Review status: criteria provided, single submitter. Criteria: Ambry Variant Classification Scheme 2023. Collection method: clinical testing. Allele origin: germline.
Comment: The c.5469T>A (p.H1823Q) alteration is located in exon 8 (coding exon 8) of the ALMS1 gene. This alteration results from a T to A substitution at nucleotide position 5469, causing the histidine (H) at amino acid position 1823 to be replaced by a glutamine (Q). Based on data from gnomAD, the A allele has an overall frequency of 0.007% (19/280328) total alleles studied. The highest observed frequency was 0.015% (19/128178) of European (non-Finnish) alleles. Based on insufficient or conflicting evidence, the clinical significance of this alteration remains unclear.

Labcorp Genetics (formerly Invitae), Labcorp
Classification: Uncertain significance for Alstrom syndrome. Last evaluated: 2022-10-26. Review status: criteria provided, single submitter. Criteria: Invitae Variant Classification Sherloc (09022015). Collection method: clinical testing. Allele origin: germline.
Comment: This sequence change replaces histidine, which is basic and polar, with glutamine, which is neutral and polar, at codon 1823 of the ALMS1 protein (p.His1823Gln). This variant is present in population databases (rs201677365, gnomAD 0.02%). This variant has not been reported in the literature in individuals affected with ALMS1-related conditions. ClinVar contains an entry for this variant (Variation ID: 842311). Experimental studies and prediction algorithms are not available or were not evaluated, and the functional significance of this variant is currently unknown. In summary, the available evidence is currently insufficient to determine the role of this variant in disease. Therefore, it has been classified as a Variant of Uncertain Significance.

Fulgent Genetics
Classification: Uncertain significance for Alstrom syndrome. Last evaluated: 2021-11-20. Review status: criteria provided, single submitter. Criteria: ACMG Guidelines, 2015. Collection method: clinical testing. Allele origin: unknown.

Breakthrough Genomics
Classification: Uncertain significance. Review status: criteria provided, single submitter. Criteria: ACMG Guidelines, 2015. Collection method: not provided. Allele origin: germline. Inheritance: Autosomal recessive inheritance. Affected: yes.

Natera, Inc.
Classification: Uncertain significance for Alstrom syndrome. Last evaluated: 2020-01-17. Review status: no assertion criteria provided. Collection method: clinical testing. Allele origin: germline. Not counted in ClinVar's aggregate classification.

NM_001378454.1(ALMS1):c.5466T>A (p.His1822Gln)

Gene: ALMS1 (ALMS1 centrosome and basal body associated protein; plus strand). Cytogenetic location: 2p13.1.
Variant type: single nucleotide variant.
Coding change: c.5466T>A on transcript NM_001378454.1 (MANE Select); coding-DNA position 5466, T replaced by A.
Protein change: p.His1822Gln; replaces histidine 1822 with glutamine.
Molecular consequence: missense variant.
Genome position (GRCh38, 1-based): chr2:73,451,993, T>A. VCF-style: chr2-73451993-T-A. GRCh37 (hg19) VCF-style: chr2-73679120-T-A.
Other names: c.5469T>A, p.His1823Gln (NM_015120.4); short protein forms H1822Q, H1823Q.
Identifiers: ClinVar variation 842311 (VCV000842311.11), dbSNP rs201677365, ClinGen allele CA1713891.